The following is an entry in ClinVar:

ClinVar aggregate classification (germline): Uncertain significance. Review status: criteria provided, multiple submitters, no conflicts (2 of 4 stars). 2 submissions from 2 submitters: Uncertain significance (2). Last evaluated 2024-08-19.

Conditions:
Hypogonadotropic hypogonadism 7 with or without anosmia (HH7). Also called: HYPOGONADOTROPIC HYPOGONADISM 7 WITHOUT ANOSMIA; GNRHR-Related GnRH Deficiency. Identifiers: Orphanet 432, MedGen C0342384, MONDO:0007794, OMIM 146110.

Submissions (2):

Blueprint Genetics
Classification: Uncertain significance. Last evaluated: 2024-08-19. Review status: criteria provided, single submitter. Criteria: ACMG Guidelines, 2015. Collection method: clinical testing. Allele origin: germline.

Centre for Mendelian Genomics, University Medical Centre Ljubljana
Classification: Uncertain significance for Hypogonadotropic hypogonadism 7 with or without anosmia. Last evaluated: 2019-10-16. Review status: criteria provided, single submitter. Criteria: ACMG Guidelines, 2015. Collection method: clinical testing. Allele origin: unknown. Affected: yes.
Comment: This variant was classified as: Uncertain significance. The available evidence on this variant's pathogenicity is insufficient or conflicting. The following ACMG criteria were applied in classifying this variant: PM2,PP3,BP1.

NM_012431.3(SEMA3E):c.944T>G (p.Leu315Arg)

Gene: SEMA3E (semaphorin 3E; minus strand). Cytogenetic location: 7q21.11.
Variant type: single nucleotide variant.
Coding change: c.944T>G on transcript NM_012431.3 (MANE Select); coding-DNA position 944, T replaced by G.
Protein change: p.Leu315Arg; replaces leucine 315 with arginine.
Molecular consequence: missense variant.
Genome position (GRCh38, 1-based): chr7:83,405,504, A>C on the plus strand (T>G on the coding strand, the complement: SEMA3E is on the minus strand). VCF-style: chr7-83405504-A-C. GRCh37 (hg19) VCF-style: chr7-83034820-A-C.
Other names: c.764T>G, p.Leu255Arg (NM_001178129.2); short protein forms L255R, L315R.
Identifiers: ClinVar variation 931204 (VCV000931204.4), dbSNP rs1788311962, ClinGen allele CA367929476.